The following is an entry in ClinVar:

ClinVar aggregate classification (germline): Conflicting classifications of pathogenicity. Review status: criteria provided, conflicting classifications (1 of 4 stars). 3 submissions from 3 submitters: Uncertain significance (1); Likely benign (2). Last evaluated 2025-08-14.

Conditions:
Arrhythmogenic cardiomyopathy with wooly hair and keratoderma. Also called: PALMOPLANTAR KERATODERMA WITH LEFT VENTRICULAR CARDIOMYOPATHY AND WOOLLY HAIR; Dilated cardiomyopathy with woolly hair and keratoderma; Arrhythmogenic cardiomyopathy with woolly hair and keratoderma; Carvajal syndrome. Identifiers: Orphanet 65282, MedGen C1854063, MONDO:0011581, OMIM 605676.
Arrhythmogenic right ventricular dysplasia 8 (ARVD8). Also called: Arrhythmogenic Right Ventricular Dysplasia/Cardiomyopathy 8; ARRHYTHMOGENIC RIGHT VENTRICULAR DYSPLASIA, FAMILIAL, 8; ARRHYTHMOGENIC RIGHT VENTRICULAR CARDIOMYOPATHY 8. Identifiers: MedGen C1843896, MONDO:0011831, OMIM 607450.
Cardiomyopathy (CMYO). Also called: Cardiomyopathies. Identifiers: Orphanet 167848, MedGen C0878544, MONDO:0004994, HP:0001638. Inheritance: Various modes of inheritance.
Cardiovascular phenotype. Identifiers: MedGen CN230736.

Allele frequency attached by ClinVar (database versions not stated): gnomAD exomes 0.00001 and 0.00002; ESP Exome Variant Server 0.00008.
gnomAD v4.1: 24 of 1,610,210 alleles (0.0015%); highest among the groups gnomAD compares: South Asian, 0.0022%; no homozygotes.

Submissions (3):

Labcorp Genetics (formerly Invitae), Labcorp
Classification: Likely benign for Arrhythmogenic cardiomyopathy with wooly hair and keratoderma; Arrhythmogenic right ventricular dysplasia 8. Last evaluated: 2025-08-14. Review status: criteria provided, single submitter. Criteria: Invitae Variant Classification Sherloc (09022015). Collection method: clinical testing. Allele origin: germline.

Ambry Genetics
Classification: Uncertain significance for Cardiovascular phenotype. Last evaluated: 2025-01-13. Review status: criteria provided, single submitter. Criteria: Ambry Variant Classification Scheme 2023. Collection method: clinical testing. Allele origin: germline.
Comment: The c.940-5C>T intronic variant results from a C to T substitution 5 nucleotides upstream from coding exon 8 in the DSP gene. This nucleotide position is not well conserved in available vertebrate species. In silico splice site analysis predicts that this alteration will not have any significant effect on splicing. Based on the available evidence, the clinical significance of this variant remains unclear.

Color Diagnostics, LLC DBA Color Health
Classification: Likely benign for Cardiomyopathy. Last evaluated: 2020-01-10. Review status: criteria provided, single submitter. Criteria: ACMG Guidelines, 2015. Collection method: clinical testing. Allele origin: germline.

NM_004415.4(DSP):c.940-5C>T

Gene: DSP (desmoplakin; plus strand). Cytogenetic location: 6p24.3.
Variant type: single nucleotide variant.
Coding change: c.940-5C>T on transcript NM_004415.4 (MANE Select); 5 bases into the intron before coding-DNA position 940, C replaced by T.
Molecular consequence: intron variant.
Genome position (GRCh38, 1-based): chr6:7,566,372, C>T. VCF-style: chr6-7566372-C-T. GRCh37 (hg19) VCF-style: chr6-7566605-C-T.
Other names: c.940-5C>T (NM_001319034.2, NM_001008844.3).
Identifiers: ClinVar variation 700845 (VCV000700845.14), dbSNP rs368391882, ClinGen allele CA133955178.